The following is an entry in ClinVar:

NM_170707.4(LMNA):c.1853C>G (p.Ser618Cys)

Gene: LMNA (lamin A/C; plus strand). Cytogenetic location: 1q22.
Variant type: single nucleotide variant.
Coding change: c.1853C>G on transcript NM_170707.4 (MANE Select); coding-DNA position 1853, C replaced by G.
Protein change: p.Ser618Cys; replaces serine 618 with cysteine.
Molecular consequence: missense variant. On other transcripts: intron variant (1).
Genome position (GRCh38, 1-based): chr1:156,138,642, C>G. VCF-style: chr1-156138642-C-G. GRCh37 (hg19) VCF-style: chr1-156108433-C-G.
Other names: c.1517C>G, p.Ser506Cys (NM_001257374.3, NM_001406989.1); c.1853C>G, p.Ser618Cys (NM_001406983.1, NM_001406985.1, NM_001406991.1); c.1610C>G, p.Ser537Cys (NM_001406986.1, NM_001406987.1); c.1556C>G, p.Ser519Cys (NM_001406988.1); c.1295C>G, p.Ser432Cys (NM_001406990.1, NM_001406993.1, NM_001406995.1 and 2 more transcripts); c.1229C>G, p.Ser410Cys (NM_001406994.1, NM_001406999.1, NM_001407000.1 and 1 more transcripts); c.1763C>G, p.Ser588Cys (NM_170708.4); c.1818+35C>G (NM_001282626.2); short protein forms S618C, S506C, S537C, S588C, S410C, S432C, S519C.
Identifiers: ClinVar variation 2773555 (VCV002773555.2), dbSNP rs2528029521, ClinGen allele CA342827359.
Genomic context (GRCh38, chr1:156,138,642, plus strand): 5'-CATCTGCCAGCGGCTCAGGAGCCCAGGTGGGCGGACCCATCTCCTCTGGCTCTTCTGCCT[C>G]CAGTGTCACGGTCACTCGCAGCTACCGCAGTGTGGGGGGCAGTGGGGGTGGCAGCTTCGG-3'
Protein context (NP_733821.1, residues 608-628): GGPISSGSSA[Ser618Cys]SVTVTRSYRS

ClinVar aggregate classification (germline): Uncertain significance (1 of 4 stars; one submission).

Conditions:
Cardiomyopathy (CMYO). Also called: Cardiomyopathies. Identifiers: Orphanet 167848, MedGen C0878544, MONDO:0004994, HP:0001638. Inheritance: Various modes of inheritance.

Submission:

Color Diagnostics, LLC DBA Color Health
Classification: Uncertain significance for Cardiomyopathy. Last evaluated: 2024-03-06. Review status: criteria provided, single submitter. Criteria: ACMG Guidelines, 2015. Collection method: clinical testing. Allele origin: germline.
Comment: This missense variant replaces serine with cysteine at codon 618 of the LMNA protein. Computational prediction suggests that this variant may not impact protein structure and function (internally defined REVEL score threshold <= 0.5, PMID: 27666373). To our knowledge, functional studies have not been reported for this variant. This variant has not been reported in individuals affected with cardiovascular disorders in the literature. This variant has not been identified in the general population by the Genome Aggregation Database (gnomAD). The available evidence is insufficient to determine the role of this variant in disease conclusively. Therefore, this variant is classified as a Variant of Uncertain Significance.